The following is an entry in ClinVar:

NM_000153.4(GALC):c.387C>G (p.Tyr129Ter)

Gene: GALC (galactosylceramidase; minus strand). Cytogenetic location: 14q31.3.
Variant type: single nucleotide variant.
Coding change: c.387C>G on transcript NM_000153.4 (MANE Select); coding-DNA position 387, C replaced by G.
Protein change: p.Tyr129Ter; replaces tyrosine 129 with a stop codon.
Molecular consequence: nonsense.
Genome position (GRCh38, 1-based): chr14:87,986,544, G>C on the plus strand (C>G on the coding strand, the complement: GALC is on the minus strand). VCF-style: chr14-87986544-G-C. GRCh37 (hg19) VCF-style: chr14-88452888-G-C.
Other names: c.318C>G, p.Tyr106Ter (NM_001201401.2); c.309C>G, p.Tyr103Ter (NM_001201402.2); short protein forms Y129*, Y103*, Y106*.
Identifiers: ClinVar variation 556087 (VCV000556087.8), dbSNP rs1240965365, ClinGen allele CA390752571.

ClinVar aggregate classification (germline): Pathogenic. Review status: criteria provided, multiple submitters, no conflicts (2 of 4 stars). 3 submissions from 3 submitters: Pathogenic (2). 1 of the submissions does not count toward it. Last evaluated 2024-04-03.

Conditions:
Galactosylceramide beta-galactosidase deficiency. Also called: Krabbe Disease; GALACTOCEREBROSIDASE DEFICIENCY; GALC DEFICIENCY; GLOBOID CELL LEUKOENCEPHALOPATHY; Leukodystrophy, Globoid Cell. Identifiers: Orphanet 487, MedGen C0023521, MONDO:0009499, OMIM 245200.

Allele frequency attached by ClinVar (database versions not stated): TOPMed 0.00001.
gnomAD v4.1: 2 of 1,613,400 alleles (0.00012%); highest among the groups gnomAD compares: Non-Finnish European, 0.00017%; no homozygotes.

Submissions (3):

Fulgent Genetics
Classification: Pathogenic for Galactosylceramide beta-galactosidase deficiency. Last evaluated: 2024-04-03. Review status: criteria provided, single submitter. Criteria: ACMG Guidelines, 2015. Collection method: clinical testing. Allele origin: germline.

Labcorp Genetics (formerly Invitae), Labcorp
Classification: Pathogenic for Galactosylceramide beta-galactosidase deficiency. Last evaluated: 2024-02-26. Review status: criteria provided, single submitter. Criteria: Invitae Variant Classification Sherloc (09022015). Collection method: clinical testing. Allele origin: germline.
Comment: This sequence change creates a premature translational stop signal (p.Tyr129*) in the GALC gene. It is expected to result in an absent or disrupted protein product. Loss-of-function variants in GALC are known to be pathogenic (PMID: 7437911, 9272171, 16607461). This variant is not present in population databases (gnomAD no frequency). This premature translational stop signal has been observed in individual(s) with Krabbe disease (PMID: 30777126). This variant is also known as p.Y113*. ClinVar contains an entry for this variant (Variation ID: 556087). Algorithms developed to predict the effect of variants on protein structure and function are not available or were not evaluated for this variant. Experimental studies have shown that this premature translational stop signal affects GALC function (PMID: 27638593). For these reasons, this variant has been classified as Pathogenic.

Counsyl
Classification: Likely pathogenic for Galactosylceramide beta-galactosidase deficiency. Last evaluated: 2018-01-11. Review status: no assertion criteria provided. Collection method: clinical testing. Allele origin: unknown. Not counted in ClinVar's aggregate classification.

Literature cited by the submitters: PubMed 7437911 (cited by Labcorp Genetics (formerly Invitae), Labcorp); PubMed 9272171 (cited by Labcorp Genetics (formerly Invitae), Labcorp); PubMed 16607461 (cited by Labcorp Genetics (formerly Invitae), Labcorp); PubMed 30777126 (cited by Labcorp Genetics (formerly Invitae), Labcorp); PubMed 27638593 (cited by Labcorp Genetics (formerly Invitae), Labcorp and Counsyl).